The following is an entry in ClinVar:

NM_017780.4(CHD7):c.5480del (p.Lys1827fs)

Gene: CHD7 (chromodomain helicase DNA binding protein 7; plus strand). Cytogenetic location: 8q12.2.
Variant type: Deletion.
Coding change: c.5480del on transcript NM_017780.4 (MANE Select); coding-DNA position 5480, one base deleted (A; older notation c.5480delA).
Protein change: p.Lys1827fs; shifts the reading frame from lysine 1827.
Molecular consequence: frameshift variant. On other transcripts: intron variant (1).
Genome position (GRCh38, 1-based): chr8:60,850,568, A deleted; the last of 2 consecutive A bases (chr8:60,850,567-60,850,568); deleting either gives the same sequence. VCF-style (leftmost placement, unchanged base first): chr8-60850566-CA-C. GRCh37 (hg19) VCF-style: chr8-61763125-CA-C.
Other names: c.1717-11661del (NM_001316690.1); c.5479delA (NM_017780.4); short protein forms K1827fs.
Identifiers: ClinVar variation 2446397 (VCV002446397.2), dbSNP rs2488015610, ClinGen allele CA2580078865.

ClinVar aggregate classification (germline): Likely pathogenic (1 of 4 stars; one submission).

Conditions:
CHARGE syndrome (CHARGE). Also called: Hittner Hirsch Kreh syndrome; CHARGE ASSOCIATION--COLOBOMA, HEART ANOMALY, CHOANAL ATRESIA, RETARDATION, GENITAL AND EAR ANOMALIES; Coloboma, heart anomaly, choanal atresia, retardation, genital and ear anomalies; CHARGE association; Hall-Hittner syndrome. Identifiers: Orphanet 138, MedGen C0265354, MONDO:0008965.

Submission:

Lifecell International Pvt. Ltd
Classification: Likely pathogenic for CHD7-related CHARGE syndrome. Review status: criteria provided, single submitter. Criteria: ACMG Guidelines, 2015. Collection method: clinical testing. Allele origin: germline. Inheritance: Autosomal dominant inheritance. Affected: yes. Observed: 1 heterozygote.
Comment: A Heterozygous Frameshift variant c.5479delA in Exon 26 of the CHD7 gene that results in the amino acid substitution p.Lys1827fs*3 was identified. The observed variant is novel in gnomAD exomes and genomes. The severity of the impact of this variant on the protein is high, based on the effect of the protein and REVEL score . Rare Exome Variant Ensemble Learner (REVEL) is an ensembl method for predicting the pathogenicity of missense variants based on a combination of scores from 13 individual tools: MutPred, FATHMM v2.3, VEST 3.0, PolyPhen-2, SIFT, PROVEAN, MutationAssessor, MutationTaster, LRT, GERP++, SiPhy, phyloP, and phastCons. The REVEL score for an individual missense variant can range from 0 to 1, with higher scores reflecting greater likelihood that the variant is disease-causing. Based on the above evidence this variant has been classified as Likely Pathogenic according to the ACMG guidelines.